The following is an entry in ClinVar:

NM_005909.5(MAP1B):c.2768T>C (p.Ile923Thr)

Gene: MAP1B (microtubule associated protein 1B; plus strand). Cytogenetic location: 5q13.2.
Variant type: single nucleotide variant.
Coding change: c.2768T>C on transcript NM_005909.5 (MANE Select); coding-DNA position 2768, T replaced by C.
Protein change: p.Ile923Thr; replaces isoleucine 923 with threonine.
Molecular consequence: missense variant.
Genome position (GRCh38, 1-based): chr5:72,196,123, T>C. VCF-style: chr5-72196123-T-C. GRCh37 (hg19) VCF-style: chr5-71491950-T-C.
Other names: c.2390T>C, p.Ile797Thr (NM_001324255.2); short protein forms I797T, I923T.
Identifiers: ClinVar variation 3033394 (VCV003033394.17), dbSNP rs143194383, ClinGen allele CA3298887.

ClinVar aggregate classification (germline): Benign/Likely benign. Review status: criteria provided, multiple submitters, no conflicts (2 of 4 stars). 3 submissions from 3 submitters: Benign (1); Likely benign (1). 1 of the submissions does not count toward it. Last evaluated 2026-02-01.

Conditions:
MAP1B-related disorder. Also called: MAP1B-related condition.

Allele frequency attached by ClinVar (database versions not stated): 1000 Genomes Project 30x 0.00031; 1000 Genomes Project 0.00040; ExAC 0.00130; ESP Exome Variant Server 0.00146; gnomAD 0.00147; TOPMed 0.00150; gnomAD exomes 0.00254.
gnomAD v4.1: 3,950 of 1,613,502 alleles (0.24%); highest among the groups gnomAD compares: Non-Finnish European, 0.29%; 10 homozygotes.

Submissions (3):

CeGaT Center for Human Genetics Tuebingen
Classification: Benign. Last evaluated: 2026-02-01. Review status: criteria provided, single submitter. Criteria: CeGaT Center For Human Genetics Tuebingen Variant Classification Criteria Version 2. Collection method: clinical testing. Allele origin: germline. Affected: yes. Observed: 8 variant alleles.
Comment: MAP1B: BP4, BS1, BS2

Laboratory for Molecular Medicine, Mass General Brigham Personalized Medicine
Classification: Likely benign. Last evaluated: 2023-12-01. Review status: criteria provided, single submitter. Criteria: ACMG Guidelines, 2015. Collection method: clinical testing. Allele origin: germline.
Comment: The p.Ile923Thr variant in MAP1B has been reported in 1 individual with hearing loss and segregated with disease in 1 affected individuals from 1 family (Cui 2020 PMID: 33268592). It has also been identified in 0.2% (23/10574) of Finnish chromosomes including 1 homozygote by gnomAD (v.3.1.2). In addition, computational prediction tools and conservation analyses suggest that this variant may not impact the protein, though this information is not predictive enough to rule out pathogenicity. In summary, its frequency suggests that it is more likely to be benign. ACMG/AMP Criteria applied: BS1, BP4.

PreventionGenetics, part of Exact Sciences
Classification: Likely benign for MAP1B-related condition. Last evaluated: 2022-07-05. Review status: no assertion criteria provided. Collection method: clinical testing. Allele origin: germline. Not counted in ClinVar's aggregate classification.
Comment: This variant is classified as likely benign based on ACMG/AMP sequence variant interpretation guidelines (Richards et al. 2015 PMID: 25741868, with internal and published modifications).